The following is an entry in ClinVar:

NM_024027.5(COLEC11):c.378C>T (p.Asp126=)

Gene: COLEC11 (collectin subfamily member 11; plus strand). Cytogenetic location: 2p25.3.
Variant type: single nucleotide variant.
Coding change: c.378C>T on transcript NM_024027.5 (MANE Select); coding-DNA position 378, C replaced by T.
Protein change: p.Asp126=; no amino-acid change (aspartic acid 126 retained).
Molecular consequence: synonymous variant. On other transcripts: non-coding transcript variant (1).
Genome position (GRCh38, 1-based): chr2:3,643,493, C>T. VCF-style: chr2-3643493-C-T. GRCh37 (hg19) VCF-style: chr2-3691083-C-T.
Other names: c.306C>T, p.Asp102= (NM_001255982.2, NM_001255983.2); c.234C>T, p.Asp78= (NM_001255984.2); c.420C>T, p.Asp140= (NM_001255985.1); c.300C>T, p.Asp100= (NM_001255986.1); c.228C>T, p.Asp76= (NM_001255987.1, NM_001255988.1); c.156C>T, p.Asp52= (NM_001255989.1); c.369C>T, p.Asp123= (NM_199235.3).
Identifiers: ClinVar variation 3771576 (VCV003771576.13).

ClinVar aggregate classification (germline): Likely benign (1 of 4 stars; one submission).

gnomAD v4.1: 1 of 1,613,912 alleles (0.000062%); highest among the groups gnomAD compares: Admixed American, 0.0017%; no homozygotes.

Submission:

CeGaT Center for Human Genetics Tuebingen
Classification: Likely benign. Last evaluated: 2025-01-01. Review status: criteria provided, single submitter. Criteria: CeGaT Center For Human Genetics Tuebingen Variant Classification Criteria Version 2. Collection method: clinical testing. Allele origin: germline. Affected: yes. Observed: 1 variant allele.
Comment: COLEC11: BP4, BP7